The following is an entry in ClinVar:

NC_000007.13:g.(?_83689761)_(83823902_?)del

Gene: SEMA3A (semaphorin 3A; minus strand). Cytogenetic location: 7q21.11.
Variant type: Deletion.
Identifiers: ClinVar variation 3245896 (VCV003245896.1).

ClinVar aggregate classification (germline): Pathogenic (1 of 4 stars; one submission).

Submission:

Labcorp Genetics (formerly Invitae), Labcorp
Classification: Pathogenic. Last evaluated: 2022-12-31. Review status: criteria provided, single submitter. Criteria: Invitae Variant Classification Sherloc (09022015). Collection method: clinical testing. Allele origin: unknown.
Comment: For these reasons, this variant has been classified as Pathogenic. This variant has not been reported in the literature in individuals affected with SEMA3A-related conditions. This variant is a gross deletion of the genomic region encompassing exon(s) 1-5 of the SEMA3A gene, which includes the initiator codon. This deletion extends beyond the assayed region for this gene and therefore may encompass additional genes. It is expected to result in an absent or disrupted protein product. Loss-of-function variants in SEMA3A are known to be pathogenic (PMID: 28075028, 33369061).

Literature cited by the submitters: PubMed 28075028; PubMed 33369061.